The following is an entry in ClinVar:

ClinVar aggregate classification (germline): Pathogenic (1 of 4 stars; one submission).

Conditions:
Familial adenomatous polyposis 1 (FAP1). Also called: FAMILIAL ADENOMATOUS POLYPOSIS 1, ATTENUATED; POLYPOSIS, ADENOMATOUS INTESTINAL. Identifiers: MedGen C2713442, MONDO:0021056, OMIM 175100. Disease mechanism: loss of function.

Submission:

Labcorp Genetics (formerly Invitae), Labcorp
Classification: Pathogenic for Familial adenomatous polyposis 1. Last evaluated: 2021-04-26. Review status: criteria provided, single submitter. Criteria: Invitae Variant Classification Sherloc (09022015). Collection method: clinical testing. Allele origin: germline.
Comment: For these reasons, this variant has been classified as Pathogenic. A different truncation (p.Tyr2645Lysfs*14) that lies downstream of this variant has been determined to be pathogenic (PMID: 9824584, 1316610, 27081525, 8381579, 22135120, Invitae). This suggests that deletion of this region of the APC protein is causative of disease. This variant is expected to disrupt the EB1 and HDLG binding sites, which mediate interactions with the cytoskeleton (PMID: 15311282, 17293347). While functional studies have not been performed to directly test the effect on APC protein function, this suggests that disruption of the C-terminal portion of the protein is functionally important. This variant has not been reported in the literature in individuals with APC-related conditions. This variant is present in population databases (rs775076289, ExAC 0.01%). This sequence change creates a premature translational stop signal (p.Lys2193Metfs*6) in the APC gene. While this is not anticipated to result in nonsense mediated decay, it is expected to disrupt the last 650 amino acid(s) of the APC protein.

Literature cited by the submitters: PubMed 9824584; PubMed 1316610; PubMed 27081525; PubMed 8381579; PubMed 22135120; PubMed 15311282; PubMed 17293347.

NM_000038.6(APC):c.6578_6579delinsT (p.Lys2193fs)

Gene: APC (APC regulator of Wnt signaling pathway; plus strand). Cytogenetic location: 5q22.2.
Variant type: Indel.
Coding change: c.6578_6579delinsT on transcript NM_000038.6 (MANE Select); coding-DNA positions 6578 to 6579, AA replaced by T.
Protein change: p.Lys2193fs; shifts the reading frame from lysine 2193.
Molecular consequence: frameshift variant. On other transcripts: non-coding transcript variant (2).
Genome position (GRCh38, 1-based): chr5:112,842,172-112,842,173, AA replaced by T. VCF-style: chr5-112842172-AA-T. GRCh37 (hg19) VCF-style: chr5-112177869-AA-T.
Other names: c.6578_6579delinsT, p.Lys2193fs (NM_001127510.3, NM_001354895.2, NM_001407450.1); c.6524_6525delinsT, p.Lys2175fs (NM_001127511.3); c.6632_6633delinsT, p.Lys2211fs (NM_001354896.2, NM_001407447.1, NM_001407448.1 and 1 more transcripts); c.6608_6609delinsT, p.Lys2203fs (NM_001354897.2); c.6503_6504delinsT, p.Lys2168fs (NM_001354898.2); c.6494_6495delinsT, p.Lys2165fs (NM_001354899.2); c.6455_6456delinsT, p.Lys2152fs (NM_001354900.2); c.6401_6402delinsT, p.Lys2134fs (NM_001354901.2, NM_001407453.1); and 11 more; short protein forms K2134fs, K2168fs, K2175fs, K2211fs, K2064fs, K2186fs, K2193fs, K2165fs.
Identifiers: ClinVar variation 4775719 (VCV004775719.1).